The following is an entry in ClinVar:

NM_006421.5(ARFGEF1):c.4884C>T (p.Ile1628=)

Gene: ARFGEF1 (ARF guanine nucleotide exchange factor 1; minus strand). Cytogenetic location: 8q13.2.
Variant type: single nucleotide variant.
Coding change: c.4884C>T on transcript NM_006421.5 (MANE Select); coding-DNA position 4884, C replaced by T.
Protein change: p.Ile1628=; no amino-acid change (isoleucine 1628 retained).
Molecular consequence: synonymous variant. On other transcripts: non-coding transcript variant (1), intron variant (2).
Genome position (GRCh38, 1-based): chr8:67,204,755, G>A on the plus strand (C>T on the coding strand, the complement: ARFGEF1 is on the minus strand). VCF-style: chr8-67204755-G-A. GRCh37 (hg19) VCF-style: chr8-68116990-G-A.
Other names: c.4884C>T, p.Ile1628= (NM_001413184.1, NM_001413187.1, NM_001413194.1); c.4866C>T, p.Ile1622= (NM_001413185.1, NM_001413186.1, NM_001413189.1); c.4284C>T, p.Ile1428= (NM_001413188.1, NM_001413197.1); c.4878C>T, p.Ile1626= (NM_001413190.1); c.4266C>T, p.Ile1422= (NM_001413193.1); c.3459C>T, p.Ile1153= (NM_001413196.1); c.4802-32C>T (NM_001413192.1); c.4820-32C>T (NM_001413191.1).
Identifiers: ClinVar variation 4872461 (VCV004872461.2).

ClinVar aggregate classification (germline): Likely benign (1 of 4 stars; one submission).

gnomAD v4.1: 981 of 1,613,940 alleles (0.061%); highest among the groups gnomAD compares: Middle Eastern, 0.16%; 1 homozygote.

Submission:

CeGaT Center for Human Genetics Tuebingen
Classification: Likely benign. Last evaluated: 2026-05-01. Review status: criteria provided, single submitter. Criteria: CeGaT Center For Human Genetics Tuebingen Variant Classification Criteria Version 2. Collection method: clinical testing. Allele origin: germline. Affected: yes. Observed: 2 variant alleles.
Comment: ARFGEF1: BP4, BS1